The following is an entry in ClinVar:

NM_032776.3(JMJD1C):c.1528A>G (p.Ile510Val)

Gene: JMJD1C (jumonji domain containing 1C; minus strand). Cytogenetic location: 10q21.3.
Variant type: single nucleotide variant.
Coding change: c.1528A>G on transcript NM_032776.3 (MANE Select); coding-DNA position 1528, A replaced by G.
Protein change: p.Ile510Val; replaces isoleucine 510 with valine.
Molecular consequence: missense variant. On other transcripts: non-coding transcript variant (1).
Genome position (GRCh38, 1-based): chr10:63,214,639, T>C on the plus strand (A>G on the coding strand, the complement: JMJD1C is on the minus strand). VCF-style: chr10-63214639-T-C. GRCh37 (hg19) VCF-style: chr10-64974399-T-C.
Other names: c.982A>G, p.Ile328Val (NM_001282948.2, NM_001318154.2); c.664A>G, p.Ile222Val (NM_001318153.2); c.1414A>G, p.Ile472Val (NM_001322252.2); c.871A>G, p.Ile291Val (NM_001322254.2, NM_001322258.2); short protein forms I472V, I328V, I222V, I291V, I510V.
Identifiers: ClinVar variation 2993678 (VCV002993678.3), dbSNP rs1215196183, ClinGen allele CA377048909.
Genomic context (GRCh38, chr10:63,214,639, plus strand): 5'-CAAAGGTACTTGAGTTTTCCTGAGCCACCTTTTCTAAATTAGTGTCATTTGTAATATCAA[T>C]AACACATTTTGGTGTGGGTGGTCTGGATACAAACTTCTCCTTTGGTAGCAATTCCATGGT-3'
Protein context (NP_116165.1, residues 500-520): VSRPPTPKCV[Ile510Val]DITNDTNLEK

ClinVar aggregate classification (germline): Uncertain significance (1 of 4 stars; one submission).

Conditions:
Early Myoclonic Encephalopathy. Identifiers: MedGen C0270855.

Allele frequency attached by ClinVar (database versions not stated): gnomAD 0.00001; gnomAD exomes below 0.00001; TOPMed below 0.00001.
gnomAD v4.1: 5 of 1,614,032 alleles (0.00031%); highest among the groups gnomAD compares: Admixed American, 0.0033%; no homozygotes.

Submission:

Labcorp Genetics (formerly Invitae), Labcorp
Classification: Uncertain significance for Early Myoclonic Encephalopathy. Last evaluated: 2023-10-05. Review status: criteria provided, single submitter. Criteria: Invitae Variant Classification Sherloc (09022015). Collection method: clinical testing. Allele origin: germline.
Comment: This sequence change replaces isoleucine, which is neutral and non-polar, with valine, which is neutral and non-polar, at codon 510 of the JMJD1C protein (p.Ile510Val). This variant is present in population databases (no rsID available, gnomAD 0.006%). This variant has not been reported in the literature in individuals affected with JMJD1C-related conditions. Advanced modeling of protein sequence and biophysical properties (such as structural, functional, and spatial information, amino acid conservation, physicochemical variation, residue mobility, and thermodynamic stability) performed at Invitae indicates that this missense variant is not expected to disrupt JMJD1C protein function. In summary, the available evidence is currently insufficient to determine the role of this variant in disease. Therefore, it has been classified as a Variant of Uncertain Significance.